The following is an entry in ClinVar:

NM_001190274.2(FBXO11):c.2228-3T>C

Gene: FBXO11 (F-box protein 11; minus strand). Cytogenetic location: 2p16.3.
Variant type: single nucleotide variant.
Coding change: c.2228-3T>C on transcript NM_001190274.2 (MANE Select); 3 bases into the intron before coding-DNA position 2228, T replaced by C.
Molecular consequence: intron variant.
Genome position (GRCh38, 1-based): chr2:47,810,429, A>G on the plus strand (T>C on the coding strand, the complement: FBXO11 is on the minus strand). VCF-style: chr2-47810429-A-G. GRCh37 (hg19) VCF-style: chr2-48037568-A-G.
Other names: c.1976-3T>C (NM_001374325.1, NM_025133.4).
Identifiers: ClinVar variation 2777329 (VCV002777329.3), dbSNP rs1275718810, ClinGen allele CA769473450.

ClinVar aggregate classification (germline): Uncertain significance (1 of 4 stars; one submission).

Allele frequency attached by ClinVar (database versions not stated): gnomAD 0.00001; gnomAD exomes 0.00001; TOPMed 0.00001.
gnomAD v4.1: 10 of 1,578,202 alleles (0.00063%); highest among the groups gnomAD compares: East Asian, 0.0022%; no homozygotes.

Submission:

Labcorp Genetics (formerly Invitae), Labcorp
Classification: Uncertain significance. Last evaluated: 2023-12-08. Review status: criteria provided, single submitter. Criteria: Invitae Variant Classification Sherloc (09022015). Collection method: clinical testing. Allele origin: germline.
Comment: This sequence change falls in intron 18 of the FBXO11 gene. It does not directly change the encoded amino acid sequence of the FBXO11 protein. It affects a nucleotide within the consensus splice site. This variant is not present in population databases (gnomAD no frequency). This variant has not been reported in the literature in individuals affected with FBXO11-related conditions. Variants that disrupt the consensus splice site are a relatively common cause of aberrant splicing (PMID: 17576681, 9536098). Algorithms developed to predict the effect of sequence changes on RNA splicing suggest that this variant is not likely to affect RNA splicing. In summary, the available evidence is currently insufficient to determine the role of this variant in disease. Therefore, it has been classified as a Variant of Uncertain Significance.

Literature cited by the submitters: PubMed 17576681; PubMed 9536098.